The following is an entry in ClinVar:

NM_014795.4(ZEB2):c.3512G>A (p.Ser1171Asn)

Gene: ZEB2 (zinc finger E-box binding homeobox 2; minus strand). Cytogenetic location: 2q22.3.
Variant type: single nucleotide variant.
Coding change: c.3512G>A on transcript NM_014795.4 (MANE Select); coding-DNA position 3512, G replaced by A.
Protein change: p.Ser1171Asn; replaces serine 1171 with asparagine.
Molecular consequence: missense variant.
Genome position (GRCh38, 1-based): chr2:144,389,584, C>T on the plus strand (G>A on the coding strand, the complement: ZEB2 is on the minus strand). VCF-style: chr2-144389584-C-T. GRCh37 (hg19) VCF-style: chr2-145147151-C-T.
Other names: c.3440G>A, p.Ser1147Asn (NM_001171653.2); short protein forms S1147N, S1171N.
Identifiers: ClinVar variation 946194 (VCV000946194.9), dbSNP rs1349953899, ClinGen allele CA348699123.

ClinVar aggregate classification (germline): Uncertain significance (1 of 4 stars; one submission).

Conditions:
Mowat-Wilson syndrome (MOWS). Also called: Classic Mowat-Wilson Syndrome. Identifiers: Orphanet 2152, MedGen C1856113, MONDO:0009341, OMIM 235730.

Allele frequency attached by ClinVar (database versions not stated): gnomAD exomes below 0.00001; TOPMed 0.00002.
gnomAD v4.1: 2 of 1,614,142 alleles (0.00012%); highest among the groups gnomAD compares: African/African-American, 0.0013%; no homozygotes.

Submission:

Labcorp Genetics (formerly Invitae), Labcorp
Classification: Uncertain significance for Mowat-Wilson syndrome. Last evaluated: 2024-11-05. Review status: criteria provided, single submitter. Criteria: Invitae Variant Classification Sherloc (09022015). Collection method: clinical testing. Allele origin: germline.
Comment: This sequence change replaces serine, which is neutral and polar, with asparagine, which is neutral and polar, at codon 1171 of the ZEB2 protein (p.Ser1171Asn). This variant is present in population databases (no rsID available, gnomAD 0.007%). This variant has not been reported in the literature in individuals affected with ZEB2-related conditions. ClinVar contains an entry for this variant (Variation ID: 946194). Invitae Evidence Modeling of protein sequence and biophysical properties (such as structural, functional, and spatial information, amino acid conservation, physicochemical variation, residue mobility, and thermodynamic stability) indicates that this missense variant is not expected to disrupt ZEB2 protein function with a negative predictive value of 80%. In summary, the available evidence is currently insufficient to determine the role of this variant in disease. Therefore, it has been classified as a Variant of Uncertain Significance.